The following is an entry in ClinVar:

NM_031935.3(HMCN1):c.8126A>T (p.Tyr2709Phe)

Gene: HMCN1 (hemicentin 1; plus strand). Cytogenetic location: 1q31.1.
Variant type: single nucleotide variant.
Coding change: c.8126A>T on transcript NM_031935.3 (MANE Select); coding-DNA position 8126, A replaced by T.
Protein change: p.Tyr2709Phe; replaces tyrosine 2709 with phenylalanine.
Molecular consequence: missense variant.
Genome position (GRCh38, 1-based): chr1:186,070,744, A>T. VCF-style: chr1-186070744-A-T. GRCh37 (hg19) VCF-style: chr1-186039876-A-T.
Other names: short protein forms Y2709F.
Identifiers: ClinVar variation 1511444 (VCV001511444.6), dbSNP rs2102343287, ClinGen allele CA343910030.
Genomic context (GRCh38, chr1:186,070,744, plus strand): 5'-ACAACACTCTGACCTTGGAATGTGAAGCGTATGCAATTCCTTCTGCCTCCCTCAGCTGGT[A>T]CAAGGATGGACAGGCCAGTCACAACTTTTTTCATTTGCTGATGATTTCTTAAAGACTAAA-3'
Protein context (NP_114141.2, residues 2699-2719): YAIPSASLSW[Tyr2709Phe]KDGQPLKSDD

ClinVar aggregate classification (germline): Uncertain significance (1 of 4 stars; one submission).

Submission:

Labcorp Genetics (formerly Invitae), Labcorp
Classification: Uncertain significance. Last evaluated: 2024-01-17. Review status: criteria provided, single submitter. Criteria: Invitae Variant Classification Sherloc (09022015). Collection method: clinical testing. Allele origin: germline.
Comment: This sequence change replaces tyrosine, which is neutral and polar, with phenylalanine, which is neutral and non-polar, at codon 2709 of the HMCN1 protein (p.Tyr2709Phe). This variant is not present in population databases (gnomAD no frequency). This variant has not been reported in the literature in individuals affected with HMCN1-related conditions. ClinVar contains an entry for this variant (Variation ID: 1511444). An algorithm developed to predict the effect of missense changes on protein structure and function (PolyPhen-2) suggests that this variant is likely to be disruptive. In summary, the available evidence is currently insufficient to determine the role of this variant in disease. Therefore, it has been classified as a Variant of Uncertain Significance.